The following is an entry in ClinVar:

NM_001199107.2(TBC1D24):c.1351G>A (p.Glu451Lys)

Gene: TBC1D24 (TBC1 domain family member 24; plus strand). Cytogenetic location: 16p13.3.
Variant type: single nucleotide variant.
Coding change: c.1351G>A on transcript NM_001199107.2 (MANE Select); coding-DNA position 1351, G replaced by A.
Protein change: p.Glu451Lys; replaces glutamic acid 451 with lysine.
Molecular consequence: missense variant.
Genome position (GRCh38, 1-based): chr16:2,500,316, G>A. VCF-style: chr16-2500316-G-A. GRCh37 (hg19) VCF-style: chr16-2550317-G-A.
Other names: c.1333G>A, p.Glu445Lys (NM_020705.3); short protein forms E445K, E451K.
Identifiers: ClinVar variation 4987202 (VCV004987202.1).

ClinVar aggregate classification (germline): Uncertain significance (1 of 4 stars; one submission).

Conditions:
TBC1D24-related disorder. Also called: TBC1D24-related condition; TBC1D24-related disorders. Identifiers: MedGen CN381194.

gnomAD v4.1: 4 of 1,610,870 alleles (0.00025%); highest among the groups gnomAD compares: African/African-American, 0.0013%; no homozygotes.

Submission:

PreventionGenetics, part of Exact Sciences
Classification: Uncertain significance for TBC1D24-related condition. Last evaluated: 2025-09-09. Review status: criteria provided, single submitter. Criteria: ACMG Guidelines, 2015. Collection method: clinical testing. Allele origin: germline.
Comment: The TBC1D24 c.1351G>A variant is predicted to result in the amino acid substitution p.Glu451Lys. To our knowledge, this variant has not been reported in the literature or large population database (gnomAD), indicating that this variant is rare. At this time, the clinical significance of this variant is uncertain due to the absence of conclusive functional and genetic evidence.